The following is an entry in ClinVar:

NM_001145358.2(SIN3A):c.2689C>T (p.Arg897Ter)

Gene: SIN3A (SIN3 transcription regulator family member A; minus strand). Cytogenetic location: 15q24.2.
Variant type: single nucleotide variant.
Coding change: c.2689C>T on transcript NM_001145358.2 (MANE Select); coding-DNA position 2689, C replaced by T.
Protein change: p.Arg897Ter; replaces arginine 897 with a stop codon.
Molecular consequence: nonsense.
Genome position (GRCh38, 1-based): chr15:75,392,404, G>A on the plus strand (C>T on the coding strand, the complement: SIN3A is on the minus strand). VCF-style: chr15-75392404-G-A. GRCh37 (hg19) VCF-style: chr15-75684745-G-A.
Other names: c.2689C>T, p.Arg897Ter (NM_001145357.2, NM_015477.3); short protein forms R897*.
Identifiers: ClinVar variation 424338 (VCV000424338.31), dbSNP rs1064796919, ClinGen allele CA16620009.

ClinVar aggregate classification (germline): Pathogenic. Review status: criteria provided, multiple submitters, no conflicts (2 of 4 stars). 2 submissions from 2 submitters: Pathogenic (2). Last evaluated 2024-09-20.

Submissions (2):

GeneDx
Classification: Pathogenic. Last evaluated: 2024-09-20. Review status: criteria provided, single submitter. Criteria: GeneDx Variant Classification Process June 2021. Collection method: clinical testing. Allele origin: germline. Affected: yes.
Comment: Nonsense variant predicted to result in protein truncation or nonsense mediated decay in a gene for which loss of function is a known mechanism of disease; Not observed at significant frequency in large population cohorts (gnomAD); This variant is associated with the following publications: (PMID: 35982159, 33057194)

CeGaT Center for Human Genetics Tuebingen
Classification: Pathogenic. Last evaluated: 2022-12-01. Review status: criteria provided, single submitter. Criteria: CeGaT Center For Human Genetics Tuebingen Variant Classification Criteria Version 2. Collection method: clinical testing. Allele origin: germline. Affected: yes. Observed: 2 variant alleles.